The following is an entry in ClinVar:

ClinVar aggregate classification (germline): Conflicting classifications of pathogenicity. Review status: criteria provided, conflicting classifications (1 of 4 stars). 5 submissions from 5 submitters: Uncertain significance (4); Likely benign (1). Last evaluated 2024-12-04.

Conditions:
Inborn genetic diseases. Identifiers: MedGen C0950123, MeSH D030342.
Glycogen storage disease IXd (GSD9D). Also called: Muscle Phosphorylase Kinase Deficiency; GSD IXd. Identifiers: Orphanet 715, MedGen C1845151, MONDO:0010362, OMIM 300559.

Allele frequency attached by ClinVar (database versions not stated): ESP Exome Variant Server 0.00009; gnomAD exomes 0.00017 and 0.00035; ExAC 0.00019; 1000 Genomes Project 30x 0.00021; TOPMed 0.00025; 1000 Genomes Project 0.00026; gnomAD 0.00035 and 0.00036.
gnomAD v4.1: 423 of 1,204,027 alleles (0.035%); highest among the groups gnomAD compares: Non-Finnish European, 0.044%; no homozygotes.

Submissions (5):

Labcorp Genetics (formerly Invitae), Labcorp
Classification: Uncertain significance for Glycogen storage disease IXd. Last evaluated: 2024-12-04. Review status: criteria provided, single submitter. Criteria: Invitae Variant Classification Sherloc (09022015). Collection method: clinical testing. Allele origin: germline.
Comment: This sequence change replaces arginine, which is basic and polar, with cysteine, which is neutral and slightly polar, at codon 290 of the PHKA1 protein (p.Arg290Cys). This variant is present in population databases (rs138752449, gnomAD 0.04%), and has an allele count higher than expected for a pathogenic variant. This variant has not been reported in the literature in individuals affected with PHKA1-related conditions. ClinVar contains an entry for this variant (Variation ID: 368649). Invitae Evidence Modeling of protein sequence and biophysical properties (such as structural, functional, and spatial information, amino acid conservation, physicochemical variation, residue mobility, and thermodynamic stability) indicates that this missense variant is expected to disrupt PHKA1 protein function with a positive predictive value of 80%. In summary, the available evidence is currently insufficient to determine the role of this variant in disease. Therefore, it has been classified as a Variant of Uncertain Significance.

GeneDx
Classification: Uncertain significance. Last evaluated: 2024-10-15. Review status: criteria provided, single submitter. Criteria: GeneDx Variant Classification Process June 2021. Collection method: clinical testing. Allele origin: germline. Affected: yes.
Comment: In silico analysis supports that this missense variant has a deleterious effect on protein structure/function; Has not been previously published as pathogenic or benign to our knowledge

Ambry Genetics
Classification: Uncertain significance for Inborn genetic diseases. Last evaluated: 2024-03-01. Review status: criteria provided, single submitter. Criteria: Ambry Variant Classification Scheme 2023. Collection method: clinical testing. Allele origin: germline.

CeGaT Center for Human Genetics Tuebingen
Classification: Uncertain significance. Last evaluated: 2019-06-01. Review status: criteria provided, single submitter. Criteria: CeGaT Center For Human Genetics Tuebingen Variant Classification Criteria Version 2. Collection method: clinical testing. Allele origin: germline. Affected: yes. Observed: 2 variant alleles.

Illumina Laboratory Services, Illumina
Classification: Likely benign for Glycogen storage disease IXd. Last evaluated: 2017-04-28. Review status: criteria provided, single submitter. Criteria: ICSL Variant Classification Criteria 13 December 2019. Collection method: clinical testing. Allele origin: germline.
Comment: This variant was observed as part of a predisposition screen in an ostensibly healthy population. A literature search was performed for the gene, cDNA change, and amino acid change (where applicable). No publications were found based on this search. Allele frequency data from public databases allowed determination this variant is unlikely to cause disease. Therefore, this variant is classified as likely benign.

NM_002637.4(PHKA1):c.868C>T (p.Arg290Cys)

Gene: PHKA1 (phosphorylase kinase regulatory subunit alpha 1; minus strand). Cytogenetic location: Xq13.1.
Variant type: single nucleotide variant.
Coding change: c.868C>T on transcript NM_002637.4 (MANE Select); coding-DNA position 868, C replaced by T.
Protein change: p.Arg290Cys; replaces arginine 290 with cysteine.
Molecular consequence: missense variant.
Genome position (GRCh38, 1-based): chrX:72,657,638, G>A on the plus strand (C>T on the coding strand, the complement: PHKA1 is on the minus strand). VCF-style: chrX-72657638-G-A. GRCh37 (hg19) VCF-style: chrX-71877488-G-A.
Other names: c.868C>T, p.Arg290Cys (NM_001122670.2, NM_001172436.2); short protein forms R290C.
Identifiers: ClinVar variation 368649 (VCV000368649.56), dbSNP rs138752449, ClinGen allele CA10450978.